The following is an entry in ClinVar:

NM_001042492.3(NF1):c.7222A>G (p.Arg2408Gly)

Gene: NF1 (neurofibromin 1; plus strand). Cytogenetic location: 17q11.2.
Variant type: single nucleotide variant.
Coding change: c.7222A>G on transcript NM_001042492.3 (MANE Select); coding-DNA position 7222, A replaced by G.
Protein change: p.Arg2408Gly; replaces arginine 2408 with glycine.
Molecular consequence: missense variant.
Genome position (GRCh38, 1-based): chr17:31,349,152, A>G. VCF-style: chr17-31349152-A-G. GRCh37 (hg19) VCF-style: chr17-29676170-A-G.
Other names: c.7159A>G, p.Arg2387Gly (NM_000267.4); short protein forms R2387G, R2408G.
Identifiers: ClinVar variation 1757420 (VCV001757420.3), dbSNP rs1840754747, ClinGen allele CA399016716.
Genomic context (GRCh38, chr17:31,349,152, plus strand): 5'-TGTTTGTTTGTTTGTTTGTTTTTTGTAGGGTACAGGCATCCTTCACCTGCTATTGTTGCA[A>G]GAACAGTCAGAATTTTACATACACTACTAACTCTGGTTAACAAACACAGAAATTGTGACA-3'
Protein context (NP_001035957.1, residues 2398-2418): YRHPSPAIVA[Arg2408Gly]TVRILHTLLT

ClinVar aggregate classification (germline): Uncertain significance. Review status: criteria provided, multiple submitters, no conflicts (2 of 4 stars). 2 submissions from 2 submitters: Uncertain significance (2). Last evaluated 2025-12-10.

Conditions:
Neurofibromatosis, type 1 (NF1). Also called: Peripheral type neurofibromatosis; VON RECKLINGHAUSEN DISEASE; NEUROFIBROMATOSIS, TYPE I, SOMATIC; Neurofibromatosis, type I. Identifiers: Orphanet 636, MedGen C0027831, MONDO:0018975, OMIM 162200. Disease mechanism: loss of function.
Cardiovascular phenotype. Identifiers: MedGen CN230736.
Hereditary cancer-predisposing syndrome. Also called: Neoplastic Syndromes, Hereditary; Tumor predisposition; Hereditary neoplastic syndrome; Hereditary Cancer Syndrome. Identifiers: Orphanet 140162, MedGen C0027672, MeSH D009386, MONDO:0015356.

Allele frequency attached by ClinVar (database versions not stated): TOPMed below 0.00001.

Submissions (2):

Labcorp Genetics (formerly Invitae), Labcorp
Classification: Uncertain significance for Neurofibromatosis, type 1. Last evaluated: 2025-12-10. Review status: criteria provided, single submitter. Criteria: Invitae Variant Classification Sherloc (09022015). Collection method: clinical testing. Allele origin: germline.
Comment: This sequence change replaces arginine, which is basic and polar, with glycine, which is neutral and non-polar, at codon 2387 of the NF1 protein (p.Arg2387Gly). This variant is not present in population databases (gnomAD no frequency). This variant has not been reported in the literature in individuals affected with NF1-related conditions. ClinVar contains an entry for this variant (Variation ID: 1757420). Invitae Evidence Modeling of protein sequence and biophysical properties (such as structural, functional, and spatial information, amino acid conservation, physicochemical variation, residue mobility, and thermodynamic stability) indicates that this missense variant is expected to disrupt NF1 protein function with a positive predictive value of 95%. In summary, the available evidence is currently insufficient to determine the role of this variant in disease. Therefore, it has been classified as a Variant of Uncertain Significance.

Ambry Genetics
Classification: Uncertain significance for Cardiovascular phenotype; Hereditary cancer-predisposing syndrome. Last evaluated: 2022-10-11. Review status: criteria provided, single submitter. Criteria: Ambry Variant Classification Scheme 2023. Collection method: clinical testing. Allele origin: germline.
Comment: The p.R2387G variant (also known as c.7159A>G), located in coding exon 48 of the NF1 gene, results from an A to G substitution at nucleotide position 7159. The arginine at codon 2387 is replaced by glycine, an amino acid with dissimilar properties. This amino acid position is conserved. In addition, the in silico prediction for this alteration is inconclusive. Since supporting evidence is limited at this time, the clinical significance of this alteration remains unclear.